The following is an entry in ClinVar:

NM_001329943.3(KIAA0586):c.3515A>T (p.His1172Leu)

Gene: KIAA0586 (KIAA0586; plus strand). Cytogenetic location: 14q23.1.
Variant type: single nucleotide variant.
Coding change: c.3515A>T on transcript NM_001329943.3 (MANE Select); coding-DNA position 3515, A replaced by T.
Protein change: p.His1172Leu; replaces histidine 1172 with leucine.
Molecular consequence: missense variant.
Genome position (GRCh38, 1-based): chr14:58,488,097, A>T. VCF-style: chr14-58488097-A-T. GRCh37 (hg19) VCF-style: chr14-58954815-A-T.
Other names: c.3674A>T, p.His1225Leu (NM_001244189.2); c.3470A>T, p.His1157Leu (NM_001244190.2); c.3260A>T, p.His1087Leu (NM_001244191.2, NM_001329945.2, NM_001364700.1 and 1 more transcripts); c.3383A>T, p.His1128Leu (NM_001244192.2); c.3095A>T, p.His1032Leu (NM_001244193.2); c.3515A>T, p.His1172Leu (NM_001329944.2, NM_001329946.2, NM_001329947.2); c.3287A>T, p.His1096Leu (NM_014749.5); short protein forms H1096L, H1225L, H1157L, H1087L, H1128L, H1032L, H1172L.
Identifiers: ClinVar variation 594719 (VCV000594719.8), dbSNP rs1190269049, ClinGen allele CA389882269.
Genomic context (GRCh38, chr14:58,488,097, plus strand): 5'-GGGGTGATGGAGACCTGCCACTGGAAGAAGAGAACCCTAACTCACCTCAAGAAGAACTTC[A>T]TCCAAGAGCTATGTAAATGAGAACATACTCACTAGTAACTGTACATTTCAACTTATGTTT-3'
Protein context (NP_001316872.1, residues 1162-1182): ENPNSPQEEL[His1172Leu]PRAIVMSVAK

ClinVar aggregate classification (germline): Uncertain significance. Review status: criteria provided, multiple submitters, no conflicts (2 of 4 stars). 2 submissions from 2 submitters: Uncertain significance (2). Last evaluated 2023-10-13.

Conditions:
Joubert syndrome 23 (JBTS23). Identifiers: Orphanet 475, MedGen C4084822, MONDO:0014664, OMIM 616490.
Short-rib thoracic dysplasia 14 with polydactyly (SRTD14). Identifiers: Orphanet 397715, MedGen C4225286, MONDO:0014688, OMIM 616546.

Allele frequency attached by ClinVar (database versions not stated): gnomAD exomes 0.00001.

Submissions (2):

Labcorp Genetics (formerly Invitae), Labcorp
Classification: Uncertain significance for Joubert syndrome 23; Short-rib thoracic dysplasia 14 with polydactyly. Last evaluated: 2023-10-13. Review status: criteria provided, single submitter. Criteria: Invitae Variant Classification Sherloc (09022015). Collection method: clinical testing. Allele origin: germline.
Comment: This sequence change replaces histidine, which is basic and polar, with leucine, which is neutral and non-polar, at codon 1225 of the KIAA0586 protein (p.His1225Leu). The frequency data for this variant in the population databases is considered unreliable, as metrics indicate poor data quality at this position in the gnomAD database. This variant has not been reported in the literature in individuals affected with KIAA0586-related conditions. ClinVar contains an entry for this variant (Variation ID: 594719). Advanced modeling of protein sequence and biophysical properties (such as structural, functional, and spatial information, amino acid conservation, physicochemical variation, residue mobility, and thermodynamic stability) performed at Invitae indicates that this missense variant is not expected to disrupt KIAA0586 protein function. In summary, the available evidence is currently insufficient to determine the role of this variant in disease. Therefore, it has been classified as a Variant of Uncertain Significance.

Eurofins Ntd Llc (ga)
Classification: Uncertain significance. Last evaluated: 2017-10-24. Review status: criteria provided, single submitter. Criteria: EGL Classification Definitions 2015. Collection method: clinical testing. Allele origin: germline. Observed: 1 variant allele, 1 heterozygote.